The following is an entry in ClinVar:

ClinVar aggregate classification (germline): Uncertain significance (1 of 4 stars; one submission).

Allele frequency attached by ClinVar (database versions not stated): gnomAD 0.00003.
gnomAD v4.1: 17 of 1,614,066 alleles (0.0011%); highest among the groups gnomAD compares: Admixed American, 0.0017%; no homozygotes.

Submission:

Labcorp Genetics (formerly Invitae), Labcorp
Classification: Uncertain significance. Last evaluated: 2024-10-24. Review status: criteria provided, single submitter. Criteria: Invitae Variant Classification Sherloc (09022015). Collection method: clinical testing. Allele origin: germline.
Comment: This sequence change replaces glutamic acid, which is acidic and polar, with lysine, which is basic and polar, at codon 319 of the SLC7A14 protein (p.Glu319Lys). This variant is present in population databases (rs759768867, gnomAD 0.004%). This variant has not been reported in the literature in individuals affected with SLC7A14-related conditions. ClinVar contains an entry for this variant (Variation ID: 2041749). An algorithm developed to predict the effect of missense changes on protein structure and function (PolyPhen-2) suggests that this variant is likely to be tolerated. In summary, the available evidence is currently insufficient to determine the role of this variant in disease. Therefore, it has been classified as a Variant of Uncertain Significance.

NM_020949.3(SLC7A14):c.955G>A (p.Glu319Lys)

Genes: SLC7A14 (solute carrier family 7 member 14; minus strand), SLC7A14-AS1 (SLC7A14 antisense RNA 1; plus strand). Cytogenetic location: 3q26.2.
Variant type: single nucleotide variant.
Coding change: c.955G>A on transcript NM_020949.3 (MANE Select); coding-DNA position 955, G replaced by A.
Protein change: p.Glu319Lys; replaces glutamic acid 319 with lysine.
Molecular consequence: missense variant.
Genome position (GRCh38, 1-based): chr3:170,483,474, C>T on the plus strand (G>A on the coding strand, the complement: SLC7A14 is on the minus strand). VCF-style: chr3-170483474-C-T. GRCh37 (hg19) VCF-style: chr3-170201263-C-T.
Other names: short protein forms E319K.
Identifiers: ClinVar variation 2041749 (VCV002041749.4), dbSNP rs759768867, ClinGen allele CA2701752.
Genomic context (GRCh38, chr3:170,483,474, plus strand): 5'-CCACTACGAATTTGGCAGCATAGAACCCATGAGCCACAAACATCTCCATGAGTGGGGATT[C>T]CGTGTCAATGGTATAATATGGCACCATCAGAGTTAAGATCACGCTCACCTGTTAAAACAA-3'
Protein context (NP_066000.2, residues 309-329): LMVPYYTIDT[Glu319Lys]SPLMEMFVAH